The following is an entry in ClinVar:

ClinVar aggregate classification (germline): Uncertain significance (1 of 4 stars; one submission).

Allele frequency attached by ClinVar (database versions not stated): gnomAD exomes 0.00003; TOPMed 0.00003; ExAC 0.00005; gnomAD 0.00005.
gnomAD v4.1: 50 of 1,512,520 alleles (0.0033%); highest among the groups gnomAD compares: Admixed American, 0.0043%; no homozygotes.

Submission:

Labcorp Genetics (formerly Invitae), Labcorp
Classification: Uncertain significance. Last evaluated: 2024-03-14. Review status: criteria provided, single submitter. Criteria: Invitae Variant Classification Sherloc (09022015). Collection method: clinical testing. Allele origin: germline.
Comment: This sequence change replaces asparagine, which is neutral and polar, with serine, which is neutral and polar, at codon 284 of the ANLN protein (p.Asn284Ser). This variant is present in population databases (rs771838347, gnomAD 0.008%). This variant has not been reported in the literature in individuals affected with ANLN-related conditions. An algorithm developed to predict the effect of missense changes on protein structure and function (PolyPhen-2) suggests that this variant is likely to be tolerated. In summary, the available evidence is currently insufficient to determine the role of this variant in disease. Therefore, it has been classified as a Variant of Uncertain Significance.

NM_018685.5(ANLN):c.851A>G (p.Asn284Ser)

Gene: ANLN (anillin, actin binding protein; plus strand). Cytogenetic location: 7p14.2.
Variant type: single nucleotide variant.
Coding change: c.851A>G on transcript NM_018685.5 (MANE Select); coding-DNA position 851, A replaced by G.
Protein change: p.Asn284Ser; replaces asparagine 284 with serine.
Molecular consequence: missense variant.
Genome position (GRCh38, 1-based): chr7:36,406,544, A>G. VCF-style: chr7-36406544-A-G. GRCh37 (hg19) VCF-style: chr7-36446153-A-G.
Other names: c.851A>G, p.Asn284Ser (NM_001284301.3, NM_001284302.3); short protein forms N284S.
Identifiers: ClinVar variation 2918981 (VCV002918981.3), dbSNP rs771838347, ClinGen allele CA4219421.